The following is an entry in ClinVar:

NM_015103.3(PLXND1):c.4737G>A (p.Thr1579=)

Gene: PLXND1 (plexin D1; minus strand). Cytogenetic location: 3q22.1.
Variant type: single nucleotide variant.
Coding change: c.4737G>A on transcript NM_015103.3 (MANE Select); coding-DNA position 4737, G replaced by A.
Protein change: p.Thr1579=; no amino-acid change (threonine 1579 retained).
Molecular consequence: synonymous variant.
Genome position (GRCh38, 1-based): chr3:129,562,875, C>T on the plus strand (G>A on the coding strand, the complement: PLXND1 is on the minus strand). VCF-style: chr3-129562875-C-T. GRCh37 (hg19) VCF-style: chr3-129281718-C-T.
Identifiers: ClinVar variation 1183583 (VCV001183583.5), dbSNP rs2285359, ClinGen allele CA2608142.
Genomic context (GRCh38, chr3:129,562,875, plus strand): 5'-CTGGGAGTAGGGCACATTCTTGCAGAAGGCCTCCAGGATCTTCTCCTTGACCTGTGTCAG[C>T]GTGTCGGTGTCCATGGCCCGCACGCTCAGCGAGTCCATGCCACAGCCCTGGAAGGACACG-3'
Protein context (NP_055918.3, residues 1569-1589): SLSVRAMDTD[Thr1579=]LTQVKEKILE

ClinVar aggregate classification (germline): Benign. Review status: criteria provided, multiple submitters, no conflicts (2 of 4 stars). 3 submissions from 3 submitters: Benign (2). 1 of the submissions does not count toward it. Last evaluated 2020-02-26.

Conditions:
PLXND1-related disorder. Also called: PLXND1-related condition.

Allele frequency attached by ClinVar (database versions not stated): ESP Exome Variant Server 0.00861; gnomAD 0.02488 and 0.03136; TOPMed 0.03552; 1000 Genomes Project 30x 0.08979; 1000 Genomes Project 0.09205.
gnomAD v4.1: 38,652 of 1,611,954 alleles (2.4%); highest among the groups gnomAD compares: East Asian, 26%; 3,084 homozygotes.

Submissions (3):

GeneDx
Classification: Benign. Last evaluated: 2020-02-26. Review status: criteria provided, single submitter. Criteria: GeneDx Variant Classification Process June 2021. Collection method: clinical testing. Allele origin: germline. Affected: yes.

Breakthrough Genomics
Classification: Benign. Review status: criteria provided, single submitter. Criteria: ACMG Guidelines, 2015. Collection method: not provided. Allele origin: germline. Inheritance: Unknown mechanism. Affected: yes.

PreventionGenetics, part of Exact Sciences
Classification: Benign for PLXND1-related condition. Last evaluated: 2019-04-16. Review status: no assertion criteria provided. Collection method: clinical testing. Allele origin: germline. Not counted in ClinVar's aggregate classification.
Comment: This variant is classified as benign based on ACMG/AMP sequence variant interpretation guidelines (Richards et al. 2015 PMID: 25741868, with internal and published modifications).